The following is an entry in ClinVar:

ClinVar aggregate classification (germline): Uncertain significance (1 of 4 stars; one submission).

Conditions:
Malignant hyperthermia, susceptibility to, 5 (MHS5). Also called: CACNA1S-Related Malignant Hyperthermia Susceptibility. Identifiers: Orphanet 423, MedGen C1866077, MONDO:0011163, OMIM 601887.

Submission:

All of Us Research Program, National Institutes of Health
Classification: Uncertain significance for Malignant hyperthermia, susceptibility to, 5. Last evaluated: 2024-04-16. Review status: criteria provided, single submitter. Criteria: ACMG Guidelines, 2015. Collection method: clinical testing. Allele origin: germline. Inheritance: Autosomal dominant inheritance. Observed: 1 variant allele, 1 heterozygote.
Comment: This missense variant replaces aspartic acid with alanine at codon 745 of the CACNA1S protein. Computational prediction is inconclusive regarding the impact of this variant on protein structure and function (internally defined REVEL score threshold 0.5 < inconclusive < 0.7, PMID: 27666373). To our knowledge, functional studies have not been reported for this variant. This variant has not been reported in individuals affected with CACNA1S-related disorders in the literature. This variant has not been identified in the general population by the Genome Aggregation Database (gnomAD). The available evidence is insufficient to determine the role of this variant in disease conclusively. Therefore, this variant is classified as a Variant of Uncertain Significance.

This study involves interpretation of variants in research participants for the purpose of population health screening. Participant phenotype was not available at the time of variant classification. Additional details can be found in publication PMID: 35346344, PMCID: PMC8962531

NM_000069.3(CACNA1S):c.2234A>C (p.Asp745Ala)

Gene: CACNA1S (calcium voltage-gated channel subunit alpha1 S; minus strand). Cytogenetic location: 1q32.1.
Variant type: single nucleotide variant.
Coding change: c.2234A>C on transcript NM_000069.3 (MANE Select); coding-DNA position 2234, A replaced by C.
Protein change: p.Asp745Ala; replaces aspartic acid 745 with alanine.
Molecular consequence: missense variant.
Genome position (GRCh38, 1-based): chr1:201,070,398, T>G on the plus strand (A>C on the coding strand, the complement: CACNA1S is on the minus strand). VCF-style: chr1-201070398-T-G. GRCh37 (hg19) VCF-style: chr1-201039526-T-G.
Other names: short protein forms D745A.
Identifiers: ClinVar variation 3386353 (VCV003386353.1).
Genomic context (GRCh38, chr1:201,070,398, plus strand): 5'-TGCAGCTCAGCCAGGGGACGTGGTCGGGGGCTCAGCGGGATCTCAGGCTCATCTTCCTCG[T>G]CATCCCCTGTGGGGAGAGAGAGAGGAATTAGGGGTGTCTTCCCATGCTTTGCTATGCCCA-3'
Protein context (NP_000060.2, residues 735-755): PYPSADFPGD[Asp745Ala]EEDEPEIPLS